The following is an entry in ClinVar:

NM_000264.5(PTCH1):c.945+5G>A

Gene: PTCH1 (patched 1; minus strand). Cytogenetic location: 9q22.32.
Variant type: single nucleotide variant.
Coding change: c.945+5G>A on transcript NM_000264.5 (MANE Select); 5 bases into the intron after coding-DNA position 945, G replaced by A.
Molecular consequence: intron variant.
Genome position (GRCh38, 1-based): chr9:95,480,385, C>T on the plus strand (G>A on the coding strand, the complement: PTCH1 is on the minus strand). VCF-style: chr9-95480385-C-T. GRCh37 (hg19) VCF-style: chr9-98242667-C-T.
Other names: c.942+5G>A (NM_001083603.3); c.747+5G>A (NM_001083602.3); c.945+5G>A (NM_001354918.2); c.492+5G>A (NM_001083605.3, NM_001083604.3, NM_001083606.3 and 1 more transcripts).
Identifiers: ClinVar variation 823260 (VCV000823260.5), dbSNP rs1588609575, ClinGen allele CA915947078.
Genomic context (GRCh38, chr9:95,480,385, plus strand): 5'-ATGAATGGACACAAAAAAGTGTTTTGCTCTCCACCCTTCTGAGAGCGCTCACTGCTGGTA[C>T]TCACTTTGGTTGAATTTTTGTTGGGGGCTGTGGCGGGGCAGTCTGGATCGGCCGGATTGA-3'

ClinVar aggregate classification (germline): Conflicting classifications of pathogenicity. Review status: criteria provided, conflicting classifications (1 of 4 stars). 2 submissions from 2 submitters: Likely pathogenic (1); Uncertain significance (1). Last evaluated 2023-09-25.

Conditions:
Hereditary cancer-predisposing syndrome. Also called: Tumor predisposition; Hereditary Cancer Syndrome; Neoplastic Syndromes, Hereditary; Hereditary neoplastic syndrome. Identifiers: Orphanet 140162, MedGen C0027672, MeSH D009386, MONDO:0015356.
Basal cell nevus syndrome 1 (BCNS1). Also called: GORLIN-GOLTZ SYNDROME; MULTIPLE BASAL CELL NEVI, ODONTOGENIC KERATOCYSTS, AND SKELETAL ANOMALIES. Identifiers: MedGen CN376810, MONDO:0958174, OMIM 109400.

Submissions (2):

Institute for Genomic Medicine (IGM) Clinical Laboratory, Nationwide Children's Hospital
Classification: Uncertain significance for Basal cell nevus syndrome 1. Last evaluated: 2023-09-25. Review status: criteria provided, single submitter. Criteria: ACMG Guidelines, 2015. Collection method: clinical testing. Allele origin: germline.
Comment: Well-established functional studies have demonstrated this variant to have a damaging effect on protein function or splicing (ACMG/AMP: PS3_Moderate; PMID:12655573). This variant is absent from or present at an exceedingly low frequency in gnomAD, a large-scale control population database (ACMG/AMP: PM2). This variant is predicted to alter protein function or structure, or disrupt splicing by multiple in silico tools (ACMG/AMP: PP3).

Ambry Genetics
Classification: Likely pathogenic for Hereditary cancer-predisposing syndrome. Last evaluated: 2019-10-15. Review status: criteria provided, single submitter. Criteria: Ambry Variant Classification Scheme 2023. Collection method: clinical testing. Allele origin: germline.
Comment: The c.945+5G>A intronic variant results from a G to A substitution 5 nucleotides after coding exon 6 in the PTCH1 gene. This nucleotide position is highly conserved in available vertebrate species. A similar alteration at this location, c.945+5G>T (designated as 933+5G>T) has been reported in an individual with features consistent with Nevoid Basal Cell Carcinoma Syndrome, also known as Gorlin syndrome (Fujii K et al. Hum. Mutat., 2003 Apr;21:451-2). Using the BDGP and ESEfinder splice site prediction tools, this alteration is predicted to abolish the native splice donor site; however, direct evidence is unavailable. Alterations that disrupt the canonical splice site are expected to cause aberrant splicing, resulting in an abnormal protein or a transcript that is subject to nonsense-mediated mRNA decay. As such, this alteration is classified as likely pathogenic.

Literature cited by the submitters: PubMed 12655573 (cited by Institute for Genomic Medicine (IGM) Clinical Laboratory, Nationwide Children's Hospital and Ambry Genetics).